The following is an entry in ClinVar:

NM_000260.4(MYO7A):c.4589C>T (p.Ser1530Leu)

Gene: MYO7A (myosin VIIA; plus strand). Cytogenetic location: 11q13.5.
Variant type: single nucleotide variant.
Coding change: c.4589C>T on transcript NM_000260.4 (MANE Select); coding-DNA position 4589, C replaced by T.
Protein change: p.Ser1530Leu; replaces serine 1530 with leucine.
Molecular consequence: missense variant. On other transcripts: intron variant (2).
Genome position (GRCh38, 1-based): chr11:77,199,555, C>T. VCF-style: chr11-77199555-C-T. GRCh37 (hg19) VCF-style: chr11-76910600-C-T.
Other names: c.4536-94C>T (NM_001369365.1); c.4569-94C>T (NM_001127180.2); short protein forms S1530L.
Identifiers: ClinVar variation 43248 (VCV000043248.33), dbSNP rs111033183, ClinGen allele CA132335.

ClinVar aggregate classification (germline): Benign/Likely benign. Review status: criteria provided, multiple submitters, no conflicts (2 of 4 stars). 13 submissions from 11 submitters: Benign (10); Likely benign (2). 1 of the submissions does not count toward it. Last evaluated 2026-02-02.

Conditions:
Usher syndrome type 1 (USH1). Also called: RETINITIS PIGMENTOSA AND CONGENITAL DEAFNESS. Identifiers: Orphanet 231169, Orphanet 886, MedGen C1568247, MONDO:0010168, OMIM 276900.
Usher syndrome type 1B (USH1B). Also called: Usher syndrome type IB. Identifiers: MedGen C1848638, MONDO:0700087.
Autosomal recessive nonsyndromic hearing loss 2. Also called: DEAFNESS, AUTOSOMAL RECESSIVE 2; NEUROSENSORY NONSYNDROMIC RECESSIVE DEAFNESS 2. Identifiers: Orphanet 90636, MedGen C1838701, MONDO:0010807, OMIM 600060.
Autosomal dominant nonsyndromic hearing loss 11. Identifiers: Orphanet 90635, MedGen C1832475, MONDO:0011032, OMIM 601317.

Allele frequency attached by ClinVar (database versions not stated): ESP Exome Variant Server 0.02606; 1000 Genomes Project 30x 0.02608; gnomAD exomes 0.00220 and 0.00566; gnomAD 0.02225 and 0.02384; TOPMed 0.02442; ExAC 0.02542; 1000 Genomes Project 0.02576.
gnomAD v4.1: 6,524 of 1,517,142 alleles (0.43%); highest among the groups gnomAD compares: African/African-American, 7.7%; 215 homozygotes.

Submissions (13):

Labcorp Genetics (formerly Invitae), Labcorp
Classification: Benign. Last evaluated: 2026-02-02. Review status: criteria provided, single submitter. Criteria: Invitae Variant Classification Sherloc (09022015). Collection method: clinical testing. Allele origin: germline.

Mayo Clinic Laboratories, Mayo Clinic
Classification: Benign. Last evaluated: 2025-03-24. Review status: criteria provided, single submitter. Criteria: ACMG Guidelines, 2015. Collection method: clinical testing. Allele origin: germline. Observed: 1 variant allele.
Comment: BA1, BS2

ARUP Laboratories, Molecular Genetics and Genomics, ARUP Laboratories
Classification: Benign. Last evaluated: 2023-11-22. Review status: criteria provided, single submitter. Criteria: ARUP Molecular Germline Variant Investigation Process 2024. Collection method: clinical testing. Allele origin: germline.

Athena Diagnostics
Classification: Benign. Last evaluated: 2019-02-15. Review status: criteria provided, single submitter. Criteria: Athena Diagnostics Criteria. Collection method: clinical testing. Allele origin: germline.

Illumina Laboratory Services, Illumina
Classification: Benign for Usher syndrome type 1. Last evaluated: 2018-01-12. Review status: criteria provided, single submitter. Criteria: ICSL Variant Classification Criteria 13 December 2019. Collection method: clinical testing. Allele origin: germline.
Comment: This variant was observed in the ICSL laboratory as part of a predisposition screen in an ostensibly healthy population. It had not been previously curated by ICSL or reported in the Human Gene Mutation Database (HGMD: prior to June 1st, 2018), and was therefore a candidate for classification through an automated scoring system. Utilizing variant allele frequency, disease prevalence and penetrance estimates, and inheritance mode, an automated score was calculated to assess if this variant is too frequent to cause the disease. Based on the score and internal cut-off values, a variant classified as benign is not then subjected to further curation. The score for this variant resulted in a classification of benign for this disease.

Illumina Laboratory Services, Illumina
Classification: Benign for Autosomal dominant nonsyndromic hearing loss 11. Last evaluated: 2018-01-12. Review status: criteria provided, single submitter. Criteria: ICSL Variant Classification Criteria 13 December 2019. Collection method: clinical testing. Allele origin: germline.
Comment: the same text as in the submission from Illumina Laboratory Services, Illumina above.

Illumina Laboratory Services, Illumina
Classification: Likely benign for Autosomal recessive nonsyndromic hearing loss 2. Last evaluated: 2018-01-12. Review status: criteria provided, single submitter. Criteria: ICSL Variant Classification Criteria 13 December 2019. Collection method: clinical testing. Allele origin: germline.
Comment: This variant was observed in the ICSL laboratory as part of a predisposition screen in an ostensibly healthy population. It had not been previously curated by ICSL or reported in the Human Gene Mutation Database (HGMD: prior to June 1st, 2018), and was therefore a candidate for classification through an automated scoring system. Utilizing variant allele frequency, disease prevalence and penetrance estimates, and inheritance mode, an automated score was calculated to assess if this variant is too frequent to cause the disease. Based on the score and internal cut-off values, a variant classified as likely benign is not then subjected to further curation. The score for this variant resulted in a classification of likely benign for this disease.

GeneDx
Classification: Benign. Last evaluated: 2016-06-28. Review status: criteria provided, single submitter. Criteria: GeneDx Variant Classification (06012015). Collection method: clinical testing. Allele origin: germline. Affected: yes.
Comment: This variant is considered likely benign or benign based on one or more of the following criteria: it is a conservative change, it occurs at a poorly conserved position in the protein, it is predicted to be benign by multiple in silico algorithms, and/or has population frequency not consistent with disease.

Eurofins Ntd Llc (ga)
Classification: Benign. Last evaluated: 2014-09-03. Review status: criteria provided, single submitter. Criteria: EGL Classification Definitions 2015. Collection method: clinical testing. Allele origin: germline. Observed: 1 variant allele, 1 heterozygote.

Laboratory for Molecular Medicine, Mass General Brigham Personalized Medicine
Classification: Benign. Last evaluated: 2010-10-06. Review status: criteria provided, single submitter. Criteria: LMM Criteria. Collection method: clinical testing. Allele origin: germline. Observed: 30 variant alleles.
Comment: This variant is not expected to have clinical significance because it has been i dentified in 3/17 (17.6%) Black probands in our lab, and as a homozygous variant in 2 individuals (Usher UMD), one of whom was homozygous for pathogenic MYO7A n onsense variant.

Breakthrough Genomics
Classification: Likely benign. Review status: criteria provided, single submitter. Criteria: ACMG Guidelines, 2015. Collection method: not provided. Allele origin: germline. Inheritance: Autosomal recessive inheritance. Affected: yes.

PreventionGenetics, part of Exact Sciences
Classification: Benign. Review status: criteria provided, single submitter. Criteria: ACMG Guidelines, 2015. Collection method: clinical testing. Allele origin: germline.

Natera, Inc.
Classification: Benign for Usher syndrome type 1B. Last evaluated: 2020-09-16. Review status: no assertion criteria provided. Collection method: clinical testing. Allele origin: germline. Not counted in ClinVar's aggregate classification.